The following is an entry in ClinVar:

ClinVar aggregate classification (germline): Pathogenic/Likely pathogenic. Review status: criteria provided, multiple submitters, no conflicts (2 of 4 stars). 15 submissions from 15 submitters: Pathogenic (5); Likely pathogenic (5). 5 of the submissions do not count toward it. Last evaluated 2025-07-31.

Conditions:
Leber congenital amaurosis 13 (LCA13). Identifiers: MedGen C2675186, MONDO:0012990, OMIM 612712.
RDH12-related disorder. Also called: RDH12-related disorders; RDH12-related condition.
Retinal dystrophy. Also called: Inherited retinal dystrophy. Identifiers: Orphanet 71862, MedGen C0854723, MeSH D058499, MONDO:0019118, HP:0000556.
Leber congenital amaurosis (LCA). Also called: Leber's amaurosis. Identifiers: Orphanet 65, MedGen C0339527, MeSH D057130, MONDO:0018998.

Allele frequency attached by ClinVar (database versions not stated): ExAC 0.00002; gnomAD exomes 0.00002; TOPMed 0.00003; gnomAD 0.00004; 1000 Genomes Project 0.00020; 1000 Genomes Project 30x 0.00031.
gnomAD v4.1: 41 of 1,614,026 alleles (0.0025%); highest among the groups gnomAD compares: East Asian, 0.0045%; no homozygotes.

Submissions (15):

PreventionGenetics, part of Exact Sciences
Classification: Pathogenic for RDH12-related condition. Last evaluated: 2025-07-31. Review status: criteria provided, single submitter. Criteria: ACMG Guidelines, 2015. Collection method: clinical testing. Allele origin: germline.
Comment: The RDH12 c.524C>T variant is predicted to result in the amino acid substitution p.Ser175Leu. This variant has been reported in individuals with autosomal recessive Leber congenital amaurosis (LCA) (Mackay et al. 2011. PubMed ID: 22065924; Coppieters et al. 2010. PubMed ID: 20683928; Neveling et al. 2013. PubMed ID: 24123792; Glen et al. 2019. PubMed ID: 30870047; Scott et al. 2020. PubMed ID: 32014858). A different substitution of the same amino acid (p.Ser175Pro) has also been reported to be pathogenic for LCA (Perrault et al 2004. PubMed ID: 15322982). In vitro functional assays showed that the p.Ser175Pro resulted in a protein with no enzymatic activity, indicating the p.Ser175 residue is important for protein function (Lee et al. 2007. PubMed ID: 17925390). This variant is reported in 0.0040% of alleles in individuals of African descent in gnomAD. This variant is interpreted as pathogenic.

Labcorp Genetics (formerly Invitae), Labcorp
Classification: Pathogenic for Leber congenital amaurosis 13. Last evaluated: 2025-05-31. Review status: criteria provided, single submitter. Criteria: Invitae Variant Classification Sherloc (09022015). Collection method: clinical testing. Allele origin: germline.
Comment: This sequence change replaces serine, which is neutral and polar, with leucine, which is neutral and non-polar, at codon 175 of the RDH12 protein (p.Ser175Leu). This variant is present in population databases (rs116733939, gnomAD 0.005%). This missense change has been observed in individuals with autosomal recessive Leber congenital amaurosis (PMID: 20683928, 22065924, 30134391). ClinVar contains an entry for this variant (Variation ID: 559527). Invitae Evidence Modeling of protein sequence and biophysical properties (such as structural, functional, and spatial information, amino acid conservation, physicochemical variation, residue mobility, and thermodynamic stability) indicates that this missense variant is expected to disrupt RDH12 protein function with a positive predictive value of 80%. This variant disrupts the p.Ser175 amino acid residue in RDH12. Other variant(s) that disrupt this residue have been observed in individuals with RDH12-related conditions (PMID: 15322982), which suggests that this may be a clinically significant amino acid residue. For these reasons, this variant has been classified as Pathogenic.

Natera, Inc.
Classification: Pathogenic for Leber congenital amaurosis. Last evaluated: 2025-05-29. Review status: criteria provided, single submitter. Criteria: Natera Variant Classification Schema (03/2026). Collection method: clinical testing. Allele origin: germline.
Comment: The c.524C>T variant in RDH12 is a missense variant predicted to cause substitution of serine to leucine at amino acid 175. This variant is rare in the general population with a frequency below the threshold expected for the associated phenotype(s). This variant has been observed in one or more individuals affected with the associated recessive disease, as either homozygous or compound heterozygous with a second variant (PMID: 20683928, 30870047, 35006499, 27208204, 22065924, 39142122). Computational prediction algorithms indicate this variant is likely to affect gene or protein function. Given the available evidence, this variant is classified as Pathogenic.

Lab De Baere, Eye and Developmental Genetics Lab, Ghent University
Classification: Likely pathogenic for Leber congenital amaurosis. Last evaluated: 2024-10-01. Review status: criteria provided, single submitter. Criteria: ACMG Guidelines, 2015. Collection method: research. Allele origin: inherited. Affected: yes. Observed: 1 variant allele.
Comment: ACMG/AMP guidelines: PM2_PP, PP4_PP, PP3, PM5, PM1, PM3_2

Fulgent Genetics
Classification: Pathogenic for Leber congenital amaurosis 13. Last evaluated: 2024-03-29. Review status: criteria provided, single submitter. Criteria: ACMG Guidelines, 2015. Collection method: clinical testing. Allele origin: germline.

Blueprint Genetics
Classification: Pathogenic for RDH12-related disorders. Last evaluated: 2023-05-17. Review status: criteria provided, single submitter. Criteria: ACMG Guidelines, 2015. Collection method: clinical testing. Allele origin: germline. Affected: yes. Observed: 5 variant alleles.

GeneDx
Classification: Likely pathogenic. Last evaluated: 2022-03-18. Review status: criteria provided, single submitter. Criteria: GeneDx Variant Classification Process June 2021. Collection method: clinical testing. Allele origin: germline. Affected: yes.
Comment: In silico analysis supports that this missense variant has a deleterious effect on protein structure/function; This variant is associated with the following publications: (PMID: 30870047, 20683928, 22065924, 24123792, 27208204, 30134391, 32014858, 34001834, 35006499)

Institute of Human Genetics, Univ. Regensburg, Univ. Regensburg
Classification: Likely pathogenic for Retinal dystrophy. Last evaluated: 2022-01-01. Review status: criteria provided, single submitter. Criteria: ACMG Guidelines, 2015. Collection method: clinical testing. Allele origin: germline. Affected: yes.

Broad Center for Mendelian Genomics, Broad Institute of MIT and Harvard
Classification: Likely pathogenic for Leber congenital amaurosis 13. Last evaluated: 2020-05-29. Review status: criteria provided, single submitter. Criteria: ACMG Guidelines, 2015. Collection method: research. Allele origin: germline. Inheritance: Autosomal recessive inheritance.
Comment: Please note that this variant has been identified by a collaborative research study and was also be submitted by Massachusetts Eye and Ear (PMID: 32014858). The p.Ser175Leu variant has been reported, in trans with another likely pathogenic variant, in 1 additional individual with Leber congenital amaurosis (PMID: 20683928). This variant has been identified in 0.004% (1/24970) of African chromosomes by the Genome Aggregation Database (gnomAD; dbSNP ID: rs116733939). Although this variant has been seen in the general population, its frequency is low enough to be consistent with a recessive carrier frequency. This variant has also been reported in ClinVar as pathogenic by Invitae and likely pathogenic by Cytogenetics and Genomics Laboratory, Medical University of South Carolina and Ocular Genomics Institute, Massachusetts Eye and Ear (Variation ID: 559527). Computational prediction tools and conservation analyses suggest that this variant may impact the protein, though this information is not predictive enough to determine pathogenicity. The p.Ser175Leu variant is located in a region of RDH12 that is essential to protein folding and stability, suggesting that this variant is in a functional domain and slightly supports pathogenicity (PMID: 20683928). In summary, although additional studies are required to fully establish its clinical significance, this variant is likely pathogenic. ACMG/AMP Criteria applied: PM2, PM3, PP3, PM1_supporting (Richards 2015).

Cytogenetics and Genomics Laboratory, Medical University of South Carolina
Classification: Likely pathogenic for Leber congenital amaurosis. Last evaluated: 2018-06-01. Review status: criteria provided, single submitter. Criteria: ACMG Guidelines, 2015. Collection method: research. Allele origin: unknown. Affected: yes. Observed: 1 variant allele.

Ocular Genomics Institute, Massachusetts Eye and Ear
Classification: Likely pathogenic for Leber congenital amaurosis 13. Last evaluated: 2019-08-01. Review status: no assertion criteria provided. Collection method: clinical testing. Allele origin: germline. Affected: yes. Observed: 1 variant allele. Not counted in ClinVar's aggregate classification.

Clinical Genetics DNA and cytogenetics Diagnostics Lab, Erasmus MC, Erasmus Medical Center
Classification: Pathogenic. Review status: no assertion criteria provided. Collection method: clinical testing. Allele origin: germline. Affected: yes. Study: VKGL Data-share Consensus. Not counted in ClinVar's aggregate classification.

Clinical Genetics, Academic Medical Center
Classification: Pathogenic. Review status: no assertion criteria provided. Collection method: clinical testing. Allele origin: germline. Affected: yes. Study: VKGL Data-share Consensus. Not counted in ClinVar's aggregate classification.

Joint Genome Diagnostic Labs from Nijmegen and Maastricht, Radboudumc and MUMC+
Classification: Pathogenic. Review status: no assertion criteria provided. Collection method: clinical testing. Allele origin: germline. Affected: yes. Study: VKGL Data-share Consensus. Not counted in ClinVar's aggregate classification.

Laboratory of Genetics in Ophthalmology, Institut Imagine
Classification: Pathogenic for Leber congenital amaurosis 13. Review status: no assertion criteria provided. Collection method: research. Allele origin: inherited. Affected: yes. Observed: 4 variant alleles. Not counted in ClinVar's aggregate classification.

Literature cited by the submitters: PubMed 20683928 (cited by 5 submitters); PubMed 22065924 (cited by Labcorp Genetics (formerly Invitae), Labcorp and Natera, Inc.); PubMed 30134391 (cited by Labcorp Genetics (formerly Invitae), Labcorp); PubMed 15322982 (cited by Labcorp Genetics (formerly Invitae), Labcorp); PubMed 30870047 (cited by Natera, Inc. and Institute of Human Genetics, Univ. Regensburg, Univ. Regensburg); PubMed 35006499 (cited by Natera, Inc. and Institute of Human Genetics, Univ. Regensburg, Univ. Regensburg); PubMed 27208204 (cited by Natera, Inc.); PubMed 39142122 (cited by Natera, Inc.); PubMed 24123792 (cited by Institute of Human Genetics, Univ. Regensburg, Univ. Regensburg); PubMed 31964843 (cited by Institute of Human Genetics, Univ. Regensburg, Univ. Regensburg); PubMed 32014858 (cited by Broad Center for Mendelian Genomics, Broad Institute of MIT and Harvard).

NM_152443.3(RDH12):c.524C>T (p.Ser175Leu)

Genes: GPHN (gephyrin; plus strand), RDH12 (retinol dehydrogenase 12; plus strand). Cytogenetic location: 14q24.1.
Variant type: single nucleotide variant.
Coding change: c.524C>T on transcript NM_152443.3 (MANE Select); coding-DNA position 524, C replaced by T.
Protein change: p.Ser175Leu; replaces serine 175 with leucine.
Molecular consequence: missense variant.
Genome position (GRCh38, 1-based): chr14:67,727,056, C>T. VCF-style: chr14-67727056-C-T. GRCh37 (hg19) VCF-style: chr14-68193773-C-T.
Other names: short protein forms S175L.
Identifiers: ClinVar variation 559527 (VCV000559527.30), dbSNP rs116733939, ClinGen allele CA7238739.